The following is an entry in ClinVar:

NM_001127178.3(PIGG):c.2805C>T (p.Ile935=)

Gene: PIGG (phosphatidylinositol glycan anchor biosynthesis class G (EMM blood group); plus strand). Cytogenetic location: 4p16.3.
Variant type: single nucleotide variant.
Coding change: c.2805C>T on transcript NM_001127178.3 (MANE Select); coding-DNA position 2805, C replaced by T.
Protein change: p.Ile935=; no amino-acid change (isoleucine 935 retained).
Molecular consequence: synonymous variant. On other transcripts: non-coding transcript variant (10).
Genome position (GRCh38, 1-based): chr4:539,222, C>T. VCF-style: chr4-539222-C-T. GRCh37 (hg19) VCF-style: chr4-533011-C-T.
Other names: p.Ile935=; c.2538C>T, p.Ile846= (NM_001289051.2, NM_001345986.2); c.2406C>T, p.Ile802= (NM_001289052.2); c.2514C>T, p.Ile838= (NM_001345987.2); c.1776C>T, p.Ile592= (NM_001345988.2); c.1272C>T, p.Ile424= (NM_001345990.2, NM_001345991.2); c.1707C>T, p.Ile569= (NM_001345994.2); c.2781C>T, p.Ile927= (NM_017733.5).
Identifiers: ClinVar variation 1649499 (VCV001649499.9), dbSNP rs267600179, ClinGen allele CA2793762.

ClinVar aggregate classification (germline): Likely benign. Review status: criteria provided, multiple submitters, no conflicts (2 of 4 stars). 2 submissions from 2 submitters: Likely benign (2). Last evaluated 2025-11-15.

Conditions:
Intellectual disability, autosomal recessive 53 (NEDHSCA). Also called: NEURODEVELOPMENTAL DISORDER WITH OR WITHOUT HYPOTONIA, SEIZURES, AND CEREBELLAR ATROPHY; GLYCOSYLPHOSPHATIDYLINOSITOL BIOSYNTHESIS DEFECT 13; Mental retardation, autosomal recessive 53. Identifiers: Orphanet 488635, MedGen C4310794, MONDO:0014832, OMIM 616917.

Allele frequency attached by ClinVar (database versions not stated): gnomAD exomes below 0.00001; ExAC 0.00001; gnomAD 0.00001; TOPMed 0.00002.

Submissions (2):

Mayo Clinic Laboratories, Mayo Clinic
Classification: Likely benign. Last evaluated: 2025-11-15. Review status: criteria provided, single submitter. Criteria: ACMG Guidelines, 2015. Collection method: clinical testing. Allele origin: germline. Observed: 1 variant allele.
Comment: BP4, BP7

Labcorp Genetics (formerly Invitae), Labcorp
Classification: Likely benign for Intellectual disability, autosomal recessive 53. Last evaluated: 2025-01-08. Review status: criteria provided, single submitter. Criteria: Invitae Variant Classification Sherloc (09022015). Collection method: clinical testing. Allele origin: germline.